The following is an entry in ClinVar:

ClinVar aggregate classification (germline): Uncertain significance (1 of 4 stars; one submission).

gnomAD v4.1: 1 of 1,614,186 alleles (0.000062%); highest among the groups gnomAD compares: Non-Finnish European, 0.000085%; no homozygotes.

Submission:

GeneDx
Classification: Uncertain significance. Last evaluated: 2025-05-06. Review status: criteria provided, single submitter. Criteria: GeneDx Variant Classification Process June 2021. Collection method: clinical testing. Allele origin: germline. Affected: yes.
Comment: Not observed at significant frequency in large population cohorts (gnomAD); In silico analysis supports that this missense variant has a deleterious effect on protein structure/function; Has not been previously published as pathogenic or benign to our knowledge

NM_000540.3(RYR1):c.11479T>C (p.Phe3827Leu)

Gene: RYR1 (ryanodine receptor 1; plus strand). Cytogenetic location: 19q13.2.
Variant type: single nucleotide variant.
Coding change: c.11479T>C on transcript NM_000540.3 (MANE Select); coding-DNA position 11479, T replaced by C.
Protein change: p.Phe3827Leu; replaces phenylalanine 3827 with leucine.
Molecular consequence: missense variant.
Genome position (GRCh38, 1-based): chr19:38,535,355, T>C. VCF-style: chr19-38535355-T-C. GRCh37 (hg19) VCF-style: chr19-39025995-T-C.
Other names: c.11464T>C, p.Phe3822Leu (NM_001042723.2); short protein forms F3822L, F3827L.
Identifiers: ClinVar variation 4528168 (VCV004528168.1).
Genomic context (GRCh38, chr19:38,535,355, plus strand): 5'-CCCCTGCCTCGCCCTCTGCAGAAAATGCTGGATTATCTTAAGGACAAGAAGGAAGTTGGC[T>C]TCTTCCAGAGTATCCAGGCACTGATGCAAACATGCAGGTAGGTTCGAGTGGACCTCTTCT-3'
Protein context (NP_000531.2, residues 3817-3837): DYLKDKKEVG[Phe3827Leu]FQSIQALMQT